The following is an entry in ClinVar:

NM_000404.4(GLB1):c.944C>A (p.Ala315Asp)

Gene: GLB1 (galactosidase beta 1; minus strand). Cytogenetic location: 3p22.3.
Variant type: single nucleotide variant.
Coding change: c.944C>A on transcript NM_000404.4 (MANE Select); coding-DNA position 944, C replaced by A.
Protein change: p.Ala315Asp; replaces alanine 315 with aspartic acid.
Molecular consequence: missense variant.
Genome position (GRCh38, 1-based): chr3:33,051,769, G>T on the plus strand (C>A on the coding strand, the complement: GLB1 is on the minus strand). VCF-style: chr3-33051769-G-T. GRCh37 (hg19) VCF-style: chr3-33093261-G-T.
Other names: p.Ala315Asp; c.854C>A, p.Ala285Asp (NM_001079811.3); c.551C>A, p.Ala184Asp (NM_001135602.3); c.1088C>A, p.Ala363Asp (NM_001317040.2); c.944C>A, p.Ala315Asp (NM_001393580.1); c.944C>A (NM_000404.2); short protein forms A184D, A285D, A315D, A363D.
Identifiers: ClinVar variation 1693865 (VCV001693865.8), dbSNP rs1284882385, ClinGen allele CA352000931.

ClinVar aggregate classification (germline): Uncertain significance. Review status: criteria provided, multiple submitters, no conflicts (2 of 4 stars). 3 submissions from 3 submitters: Uncertain significance (3). Last evaluated 2026-04-28.

Conditions:
Mucopolysaccharidosis, MPS-IV-B (MPS4B). Also called: Mucopolysaccharidosis Type IVB (Morquio B Disease); Mucopolysaccharidosis type 4B; MORQUIO SYNDROME B; Mucopolysaccharidosis type IVB (Morquio); MPS IVB; Mucopolysaccharidosis type IV B. Identifiers: Orphanet 309310, Orphanet 582, MedGen C0086652, MONDO:0009660, OMIM 253010.
GM1 gangliosidosis. Identifiers: Orphanet 354, MedGen C0085131, MONDO:0018149.
Inborn genetic diseases. Identifiers: MedGen C0950123, MeSH D030342.

Allele frequency attached by ClinVar (database versions not stated): TOPMed below 0.00001; gnomAD exomes 0.00001.
gnomAD v4.1: 3 of 1,614,048 alleles (0.00019%); highest among the groups gnomAD compares: Admixed American, 0.005%; no homozygotes.

Submissions (3):

Ambry Genetics
Classification: Uncertain significance for Inborn genetic diseases. Last evaluated: 2026-04-28. Review status: criteria provided, single submitter. Criteria: Ambry Variant Classification Scheme 2023. Collection method: clinical testing. Allele origin: germline.
Comment: The c.944C>A (p.A315D) alteration is located in exon 9 (coding exon 9) of the GLB1 gene. This alteration results from a C to A substitution at nucleotide position 944, causing the alanine (A) at amino acid position 315 to be replaced by an aspartic acid (D). Based on data from gnomAD, the A allele has an overall frequency of 0.001% (3/249174) total alleles studied. The highest observed frequency was 0.009% (3/34520) of Latino alleles. The in silico prediction for the p.A315D alteration is inconclusive. Based on insufficient or conflicting evidence, the clinical significance of this alteration remains unclear.

Labcorp Genetics (formerly Invitae), Labcorp
Classification: Uncertain significance for Mucopolysaccharidosis, MPS-IV-B; GM1 gangliosidosis. Last evaluated: 2022-08-08. Review status: criteria provided, single submitter. Criteria: Invitae Variant Classification Sherloc (09022015). Collection method: clinical testing. Allele origin: germline.
Comment: This sequence change replaces alanine, which is neutral and non-polar, with aspartic acid, which is acidic and polar, at codon 315 of the GLB1 protein (p.Ala315Asp). This variant is present in population databases (no rsID available, gnomAD 0.009%). This variant has not been reported in the literature in individuals affected with GLB1-related conditions. ClinVar contains an entry for this variant (Variation ID: 1693865). Advanced modeling of protein sequence and biophysical properties (such as structural, functional, and spatial information, amino acid conservation, physicochemical variation, residue mobility, and thermodynamic stability) performed at Invitae indicates that this missense variant is expected to disrupt GLB1 protein function. In summary, the available evidence is currently insufficient to determine the role of this variant in disease. Therefore, it has been classified as a Variant of Uncertain Significance.

Mayo Clinic Laboratories, Mayo Clinic
Classification: Uncertain significance. Last evaluated: 2021-12-30. Review status: criteria provided, single submitter. Criteria: ACMG Guidelines, 2015. Collection method: clinical testing. Allele origin: germline.